The following is an entry in ClinVar:

NM_001040108.2(MLH3):c.3791A>G (p.Glu1264Gly)

Gene: MLH3 (mutL homolog 3; minus strand). Cytogenetic location: 14q24.3.
Variant type: single nucleotide variant.
Coding change: c.3791A>G on transcript NM_001040108.2 (MANE Select); coding-DNA position 3791, A replaced by G.
Protein change: p.Glu1264Gly; replaces glutamic acid 1264 with glycine.
Molecular consequence: missense variant.
Genome position (GRCh38, 1-based): chr14:75,032,104, T>C on the plus strand (A>G on the coding strand, the complement: MLH3 is on the minus strand). VCF-style: chr14-75032104-T-C. GRCh37 (hg19) VCF-style: chr14-75498807-T-C.
Other names: c.3719A>G, p.Glu1240Gly (NM_014381.3); short protein forms E1264G, E1240G.
Identifiers: ClinVar variation 4552063 (VCV004552063.1).

ClinVar aggregate classification (germline): Uncertain significance (1 of 4 stars; one submission).

Submission:

Ambry Genetics
Classification: Uncertain significance. Last evaluated: 2025-09-17. Review status: criteria provided, single submitter. Criteria: Ambry Variant Classification Scheme 2023. Collection method: clinical testing. Allele origin: germline.
Comment: The p.E1264G variant (also known as c.3791A>G), located in coding exon 7 of the MLH3 gene, results from an A to G substitution at nucleotide position 3791. The glutamic acid at codon 1264 is replaced by glycine, an amino acid with similar properties. This amino acid position is conserved. In addition, this alteration is predicted to be tolerated by in silico analysis. Based on the available evidence, the clinical significance of this variant remains unclear.